The following is an entry in ClinVar:

NM_001184880.2(PCDH19):c.401T>C (p.Ile134Thr)

Gene: PCDH19 (protocadherin 19; minus strand). Cytogenetic location: Xq22.1.
Variant type: single nucleotide variant.
Coding change: c.401T>C on transcript NM_001184880.2 (MANE Select); coding-DNA position 401, T replaced by C.
Protein change: p.Ile134Thr; replaces isoleucine 134 with threonine.
Molecular consequence: missense variant.
Genome position (GRCh38, 1-based): chrX:100,408,197, A>G on the plus strand (T>C on the coding strand, the complement: PCDH19 is on the minus strand). VCF-style: chrX-100408197-A-G. GRCh37 (hg19) VCF-style: chrX-99663195-A-G.
Other names: c.401T>C, p.Ile134Thr (NM_001105243.2, NM_020766.3); short protein forms I134T.
Identifiers: ClinVar variation 5007485 (VCV005007485.2).

ClinVar aggregate classification (germline): Uncertain significance (1 of 4 stars; one submission).

Conditions:
Developmental and epileptic encephalopathy, 9 (DEE9). Also called: JUBERG-HELLMAN SYNDROME; Early infantile epileptic encephalopathy 9; EPILEPSY, FEMALE-RESTRICTED, WITH MENTAL RETARDATION; PCDH19-Related X-Linked Female-Limited Epilepsy with Mental Retardation. Identifiers: Orphanet 101039, Orphanet 2076, MedGen C1848137, MONDO:0010246, OMIM 300088. Disease mechanism: loss of function.

Submission:

Juno Genomics, Hangzhou Juno Genomics, Inc
Classification: Uncertain significance for Developmental and epileptic encephalopathy, 9. Review status: criteria provided, single submitter. Criteria: ACMG Guidelines, 2015. Collection method: clinical testing. Allele origin: germline.
Comment: Absent from controls (or at extremely low frequency if recessive) in Genome Aggregation Database.